The following is an entry in ClinVar:

ClinVar aggregate classification (germline): Benign (1 of 4 stars; one submission).

Allele frequency attached by ClinVar (database versions not stated): gnomAD exomes 0.00368; gnomAD 0.03194 and 0.03420; 1000 Genomes Project 0.03295; 1000 Genomes Project 30x 0.03545; TOPMed 0.03602.
gnomAD v4.1: 8,243 of 1,034,796 alleles (0.8%); highest among the groups gnomAD compares: African/African-American, 11%; 406 homozygotes.

Submission:

GeneDx
Classification: Benign. Last evaluated: 2018-06-16. Review status: criteria provided, single submitter. Criteria: GeneDx Variant Classification (06012015). Collection method: clinical testing. Allele origin: germline. Affected: yes.
Comment: This variant is considered likely benign or benign based on one or more of the following criteria: it is a conservative change, it occurs at a poorly conserved position in the protein, it is predicted to be benign by multiple in silico algorithms, and/or has population frequency not consistent with disease.

NM_000257.4(MYH7):c.530+139A>G

Gene: MYH7 (myosin heavy chain 7; minus strand). Cytogenetic location: 14q11.2.
Variant type: single nucleotide variant.
Coding change: c.530+139A>G on transcript NM_000257.4 (MANE Select); 139 bases into the intron after coding-DNA position 530, A replaced by G.
Molecular consequence: intron variant.
Genome position (GRCh38, 1-based): chr14:23,432,340, T>C on the plus strand (A>G on the coding strand, the complement: MYH7 is on the minus strand). VCF-style: chr14-23432340-T-C. GRCh37 (hg19) VCF-style: chr14-23901549-T-C.
Identifiers: ClinVar variation 675374 (VCV000675374.1), dbSNP rs28615777, ClinGen allele CA257826321.